The following is an entry in ClinVar:

NM_033109.5(PNPT1):c.1301C>G (p.Thr434Ser)

Gene: PNPT1 (polyribonucleotide nucleotidyltransferase 1; minus strand). Cytogenetic location: 2p16.1.
Variant type: single nucleotide variant.
Coding change: c.1301C>G on transcript NM_033109.5 (MANE Select); coding-DNA position 1301, C replaced by G.
Protein change: p.Thr434Ser; replaces threonine 434 with serine.
Molecular consequence: missense variant.
Genome position (GRCh38, 1-based): chr2:55,656,355, G>C on the plus strand (C>G on the coding strand, the complement: PNPT1 is on the minus strand). VCF-style: chr2-55656355-G-C. GRCh37 (hg19) VCF-style: chr2-55883490-G-C.
Other names: c.1301C>G (NM_033109.3); short protein forms T434S.
Identifiers: ClinVar variation 2183484 (VCV002183484.2), dbSNP rs757038741, ClinGen allele CA346927483.

ClinVar aggregate classification (germline): Uncertain significance. Review status: criteria provided, multiple submitters, no conflicts (2 of 4 stars). 2 submissions from 2 submitters: Uncertain significance (2). Last evaluated 2025-11-26.

Conditions:
Inborn genetic diseases. Identifiers: MedGen C0950123, MeSH D030342.

gnomAD v4.1: 15 of 1,604,568 alleles (0.00093%); highest among the groups gnomAD compares: Non-Finnish European, 0.0013%; no homozygotes.

Submissions (2):

Ambry Genetics
Classification: Uncertain significance for Inborn genetic diseases. Last evaluated: 2025-11-26. Review status: criteria provided, single submitter. Criteria: Ambry Variant Classification Scheme 2023. Collection method: clinical testing. Allele origin: germline.

Labcorp Genetics (formerly Invitae), Labcorp
Classification: Uncertain significance. Last evaluated: 2022-03-28. Review status: criteria provided, single submitter. Criteria: Invitae Variant Classification Sherloc (09022015). Collection method: clinical testing. Allele origin: germline.
Comment: This sequence change replaces threonine, which is neutral and polar, with serine, which is neutral and polar, at codon 434 of the PNPT1 protein (p.Thr434Ser). This variant is not present in population databases (gnomAD no frequency). This variant has not been reported in the literature in individuals affected with PNPT1-related conditions. Advanced modeling of protein sequence and biophysical properties (such as structural, functional, and spatial information, amino acid conservation, physicochemical variation, residue mobility, and thermodynamic stability) performed at Invitae indicates that this missense variant is expected to disrupt PNPT1 protein function. In summary, the available evidence is currently insufficient to determine the role of this variant in disease. Therefore, it has been classified as a Variant of Uncertain Significance.